The following is an entry in ClinVar:

ClinVar aggregate classification (germline): Likely pathogenic. Review status: criteria provided, multiple submitters, no conflicts (2 of 4 stars). 2 submissions from 2 submitters: Likely pathogenic (2). Last evaluated 2025-02-19.

Conditions:
LAMA2-related muscular dystrophy (LAMA2-RD). Also called: Laminin alpha 2-related dystrophy. Identifiers: MedGen C5679788, MONDO:0100228.

Submissions (2):

Revvity Omics, Revvity
Classification: Likely pathogenic. Last evaluated: 2025-02-19. Review status: criteria provided, single submitter. Criteria: ACMG Guidelines, 2015. Collection method: clinical testing. Allele origin: germline.

Labcorp Genetics (formerly Invitae), Labcorp
Classification: Likely pathogenic for LAMA2-related muscular dystrophy. Last evaluated: 2021-12-23. Review status: criteria provided, single submitter. Criteria: Invitae Variant Classification Sherloc (09022015). Collection method: clinical testing. Allele origin: germline.
Comment: In summary, the currently available evidence indicates that the variant is pathogenic, but additional data are needed to prove that conclusively. Therefore, this variant has been classified as Likely Pathogenic. This variant disrupts the C-terminus of the LAMA2 protein. Other variant(s) that disrupt this region (p.Arg3085*) have been observed in individuals with LAMA2-related conditions (PMID: 11591858). This suggests that this may be a clinically significant region of the protein. This premature translational stop signal has been observed in individual(s) with congenital muscular dystrophy (PMID: 20207543). This variant is not present in population databases (gnomAD no frequency). This sequence change creates a premature translational stop signal (p.Thr3080Asnfs*26) in the LAMA2 gene. While this is not anticipated to result in nonsense mediated decay, it is expected to disrupt the last 43 amino acid(s) of the LAMA2 protein.

Literature cited by the submitters: PubMed 11591858 (cited by Labcorp Genetics (formerly Invitae), Labcorp); PubMed 20207543 (cited by Labcorp Genetics (formerly Invitae), Labcorp).

NM_000426.4(LAMA2):c.9235_9238dup (p.Thr3080fs)

Gene: LAMA2 (laminin subunit alpha 2; plus strand). Cytogenetic location: 6q22.33.
Variant type: Duplication.
Coding change: c.9235_9238dup on transcript NM_000426.4 (MANE Select); coding-DNA positions 9235 to 9238, 4 bases duplicated (ACAA; older notation c.9235_9238dupACAA).
Protein change: p.Thr3080fs; shifts the reading frame from threonine 3080.
Molecular consequence: frameshift variant.
Genome position (GRCh38, 1-based): chr6:129,516,213-129,516,216, ACAA duplicated; duplicating any 4 consecutive bases within chr6:129,516,212-129,516,216 gives the same sequence; the c. name uses the placement nearest the transcript's 3' end. VCF-style (leftmost placement, unchanged base first): chr6-129516211-T-TAACA. GRCh37 (hg19) VCF-style: chr6-129837356-T-TAACA.
Other names: c.9223_9226dup, p.Thr3076fs (NM_001079823.2); c.9235_9238dup (NM_000426.3); short protein forms T3076fs, T3080fs.
Identifiers: ClinVar variation 1488160 (VCV001488160.7), dbSNP rs2114947621, ClinGen allele CA2573140506.